The following is an entry in ClinVar:

ClinVar aggregate classification (germline): Uncertain significance (1 of 4 stars; one submission).

Conditions:
Emery-Dreifuss muscular dystrophy 5, autosomal dominant (EDMD5). Also called: EMERY-DREIFUSS MUSCULAR DYSTROPHY 5. Identifiers: Orphanet 261, MedGen C2751805, MONDO:0013072, OMIM 612999.

Allele frequency attached by ClinVar (database versions not stated): TOPMed 0.00001.

Submission:

Labcorp Genetics (formerly Invitae), Labcorp
Classification: Uncertain significance for Emery-Dreifuss muscular dystrophy 5, autosomal dominant. Last evaluated: 2024-04-27. Review status: criteria provided, single submitter. Criteria: Invitae Variant Classification Sherloc (09022015). Collection method: clinical testing. Allele origin: germline.
Comment: This sequence change replaces aspartic acid, which is acidic and polar, with glycine, which is neutral and non-polar, at codon 2626 of the SYNE2 protein (p.Asp2626Gly). This variant is not present in population databases (gnomAD no frequency). This variant has not been reported in the literature in individuals affected with SYNE2-related conditions. ClinVar contains an entry for this variant (Variation ID: 864393). Algorithms developed to predict the effect of missense changes on protein structure and function output the following: SIFT: "Not Available"; PolyPhen-2: "Benign"; Align-GVGD: "Not Available". The glycine amino acid residue is found in multiple mammalian species, which suggests that this missense change does not adversely affect protein function. In summary, the available evidence is currently insufficient to determine the role of this variant in disease. Therefore, it has been classified as a Variant of Uncertain Significance.

NM_182914.3(SYNE2):c.7877A>G (p.Asp2626Gly)

Gene: SYNE2 (spectrin repeat containing nuclear envelope protein 2; plus strand). Cytogenetic location: 14q23.2.
Variant type: single nucleotide variant.
Coding change: c.7877A>G on transcript NM_182914.3 (MANE Select); coding-DNA position 7877, A replaced by G.
Protein change: p.Asp2626Gly; replaces aspartic acid 2626 with glycine.
Molecular consequence: missense variant.
Genome position (GRCh38, 1-based): chr14:64,051,790, A>G. VCF-style: chr14-64051790-A-G. GRCh37 (hg19) VCF-style: chr14-64518508-A-G.
Other names: c.7877A>G, p.Asp2626Gly (NM_015180.6); short protein forms D2626G.
Identifiers: ClinVar variation 864393 (VCV000864393.9), dbSNP rs2097229314, ClinGen allele CA389961750.